The following is an entry in ClinVar:

NM_001378418.1(TCF20):c.3781A>C (p.Ile1261Leu)

Gene: TCF20 (transcription factor 20; minus strand). Cytogenetic location: 22q13.2.
Variant type: single nucleotide variant.
Coding change: c.3781A>C on transcript NM_001378418.1 (MANE Select); coding-DNA position 3781, A replaced by C.
Protein change: p.Ile1261Leu; replaces isoleucine 1261 with leucine.
Molecular consequence: missense variant.
Genome position (GRCh38, 1-based): chr22:42,211,525, T>G on the plus strand (A>C on the coding strand, the complement: TCF20 is on the minus strand). VCF-style: chr22-42211525-T-G. GRCh37 (hg19) VCF-style: chr22-42607531-T-G.
Other names: c.3781A>C, p.Ile1261Leu (NM_005650.4, NM_181492.3); short protein forms I1261L.
Identifiers: ClinVar variation 2236960 (VCV002236960.4), dbSNP rs770945649, ClinGen allele CA324699241.

ClinVar aggregate classification (germline): Uncertain significance. Review status: criteria provided, multiple submitters, no conflicts (2 of 4 stars). 3 submissions from 3 submitters: Uncertain significance (3). Last evaluated 2024-10-16.

Conditions:
Inborn genetic diseases. Identifiers: MedGen C0950123, MeSH D030342.

Allele frequency attached by ClinVar (database versions not stated): gnomAD 0.00001; TOPMed 0.00002.
gnomAD v4.1: 14 of 1,614,054 alleles (0.00087%); highest among the groups gnomAD compares: Non-Finnish European, 0.0012%; no homozygotes.

Submissions (3):

Blueprint Genetics
Classification: Uncertain significance. Last evaluated: 2024-10-16. Review status: criteria provided, single submitter. Criteria: ACMG Guidelines, 2015. Collection method: clinical testing. Allele origin: germline.

Women's Health and Genetics/Laboratory Corporation of America, LabCorp
Classification: Uncertain significance. Last evaluated: 2024-09-24. Review status: criteria provided, single submitter. Criteria: LabCorp Variant Classification Summary - May 2015. Collection method: clinical testing. Allele origin: germline.
Comment: Variant summary: TCF20 c.3781A>C (p.Ile1261Leu) results in a conservative amino acid change in the encoded protein sequence. Three of five in-silico tools predict a benign effect of the variant on protein function. The variant allele was found at a frequency of 4e-06 in 251422 control chromosomes. The available data on variant occurrences in the general population are insufficient to allow any conclusion about variant significance. To our knowledge, no occurrence of c.3781A>C in individuals affected with Developmental Delay With Variable Intellectual Impairment And Behavioral Abnormalities and no experimental evidence demonstrating its impact on protein function have been reported. ClinVar contains an entry for this variant (Variation ID: 2236960). Based on the evidence outlined above, the variant was classified as uncertain significance.

Ambry Genetics
Classification: Uncertain significance for Inborn genetic diseases. Last evaluated: 2021-07-14. Review status: criteria provided, single submitter. Criteria: Ambry Variant Classification Scheme 2023. Collection method: clinical testing. Allele origin: germline.